The following is an entry in ClinVar:

NM_021096.4(CACNA1I):c.2901+1_2901+3del

Gene: CACNA1I (calcium voltage-gated channel subunit alpha1 I; plus strand). Cytogenetic location: 22q13.1.
Variant type: Deletion.
Coding change: c.2901+1_2901+3del on transcript NM_021096.4 (MANE Select); the canonical splice donor site of the intron after coding-DNA position 2901 through 3 bases into the intron after coding-DNA position 2901, 3 bases deleted (GTG; older notation c.2901+1_2901+3delGTG).
Molecular consequence: splice donor variant.
Genome position (GRCh38, 1-based): chr22:39,661,311-39,661,313, GTG deleted; deleting any 3 consecutive bases within chr22:39,661,309-39,661,313 gives the same sequence; the c. name uses the placement nearest the transcript's 3' end. VCF-style (leftmost placement, unchanged base first): chr22-39661308-CTGG-C. GRCh37 (hg19) VCF-style: chr22-40057313-CTGG-C.
Other names: c.2796+1_2796+3del (NM_001003406.2).
Identifiers: ClinVar variation 3367263 (VCV003367263.1).

ClinVar aggregate classification (germline): Uncertain significance (1 of 4 stars; one submission).

Submission:

GeneDx
Classification: Uncertain significance. Last evaluated: 2024-01-05. Review status: criteria provided, single submitter. Criteria: GeneDx Variant Classification Process June 2021. Collection method: clinical testing. Allele origin: germline. Affected: yes.
Comment: Not observed at significant frequency in large population cohorts (gnomAD); Canonical splice site variant in a gene for which loss-of-function is not an established mechanism of disease; Has not been previously published as pathogenic or benign to our knowledge